The following is an entry in ClinVar:

NM_000051.4(ATM):c.6710_6719del (p.Lys2237fs)

Genes: ATM (ATM serine/threonine kinase; plus strand), C11orf65 (chromosome 11 open reading frame 65; minus strand). Cytogenetic location: 11q22.3.
Variant type: Deletion.
Coding change: c.6710_6719del on transcript NM_000051.4 (MANE Select); coding-DNA positions 6710 to 6719, 10 bases deleted (AGGAAATGGA; older notation c.6710_6719delAGGAAATGGA).
Protein change: p.Lys2237fs; shifts the reading frame from lysine 2237.
Molecular consequence: frameshift variant. On other transcripts: intron variant (2).
Genome position (GRCh38, 1-based): chr11:108,325,447-108,325,456, AGGAAATGGA deleted; deleting any 10 consecutive bases within chr11:108,325,446-108,325,456 gives the same sequence; the c. name uses the placement nearest the transcript's 3' end. VCF-style (leftmost placement, unchanged base first): chr11-108325445-AAAGGAAATGG-A. GRCh37 (hg19) VCF-style: chr11-108196172-AAAGGAAATGG-A.
Other names: c.6710_6719del, p.Lys2237fs (NM_001351834.2); c.641-16384_641-16375del (NM_001330368.2); c.*38+9765_*38+9774del (NM_001351110.2); short protein forms K2237fs.
Identifiers: ClinVar variation 2034172 (VCV002034172.4), dbSNP rs2547204242, ClinGen allele CA2580083056.

ClinVar aggregate classification (germline): Pathogenic (1 of 4 stars; one submission).

Conditions:
Ataxia-telangiectasia syndrome (AT). Also called: Ataxia-telangiectasia, complementation group D; AT, COMPLEMENTATION GROUP C; ATAXIA-TELANGIECTASIA, COMPLEMENTATION GROUP A; ATAXIA-TELANGIECTASIA, FRESNO VARIANT; Ataxia-telangiectasia, complementation group E; LOUIS-BAR SYNDROME. Identifiers: Orphanet 100, MedGen C0004135, MONDO:0008840, OMIM 208900.

Submission:

Labcorp Genetics (formerly Invitae), Labcorp
Classification: Pathogenic for Ataxia-telangiectasia syndrome. Last evaluated: 2023-12-06. Review status: criteria provided, single submitter. Criteria: Invitae Variant Classification Sherloc (09022015). Collection method: clinical testing. Allele origin: germline.
Comment: This sequence change creates a premature translational stop signal (p.Lys2237Thrfs*17) in the ATM gene. It is expected to result in an absent or disrupted protein product. Loss-of-function variants in ATM are known to be pathogenic (PMID: 23807571, 25614872). This variant is not present in population databases (gnomAD no frequency). This variant has not been reported in the literature in individuals affected with ATM-related conditions. ClinVar contains an entry for this variant (Variation ID: 2034172). For these reasons, this variant has been classified as Pathogenic.

Literature cited by the submitters: PubMed 23807571; PubMed 25614872.